The following is an entry in ClinVar:

NM_017780.4(CHD7):c.481_482delinsAG (p.Gln161Arg)

Gene: CHD7 (chromodomain helicase DNA binding protein 7; plus strand). Cytogenetic location: 8q12.2.
Variant type: Indel.
Coding change: c.481_482delinsAG on transcript NM_017780.4 (MANE Select); coding-DNA positions 481 to 482, CA replaced by AG.
Protein change: p.Gln161Arg; replaces glutamine 161 with arginine.
Molecular consequence: missense variant.
Genome position (GRCh38, 1-based): chr8:60,741,913-60,741,914, CA replaced by AG. VCF-style: chr8-60741913-CA-AG. GRCh37 (hg19) VCF-style: chr8-61654472-CA-AG.
Other names: c.481_482delinsAG, p.Gln161Arg (NM_001316690.1); short protein forms Q161R.
Identifiers: ClinVar variation 1051449 (VCV001051449.9), dbSNP rs2150578323, ClinGen allele CA2499219373.

ClinVar aggregate classification (germline): Uncertain significance (1 of 4 stars; one submission).

Conditions:
CHARGE syndrome (CHARGE). Also called: Hittner Hirsch Kreh syndrome; CHARGE ASSOCIATION--COLOBOMA, HEART ANOMALY, CHOANAL ATRESIA, RETARDATION, GENITAL AND EAR ANOMALIES; Coloboma, heart anomaly, choanal atresia, retardation, genital and ear anomalies; CHARGE association; Hall-Hittner syndrome. Identifiers: Orphanet 138, MedGen C0265354, MONDO:0008965.

Submission:

Labcorp Genetics (formerly Invitae), Labcorp
Classification: Uncertain significance for CHARGE syndrome. Last evaluated: 2023-03-23. Review status: criteria provided, single submitter. Criteria: Invitae Variant Classification Sherloc (09022015). Collection method: clinical testing. Allele origin: germline.
Comment: In summary, the available evidence is currently insufficient to determine the role of this variant in disease. Therefore, it has been classified as a Variant of Uncertain Significance. An algorithm developed to predict the effect of missense changes on protein structure and function (PolyPhen-2) suggests that this variant is likely to be tolerated. ClinVar contains an entry for this variant (Variation ID: 1051449). This variant has not been reported in the literature in individuals affected with CHD7-related conditions. This variant is present in population databases (no rsID available, gnomAD 0.2%). This variant, c.481_482delinsAG, is a complex sequence change that results in the deletion of glutamine and insertion of arginine amino acid(s) in the CHD7 protein (p.Gln161Arg).